The following is an entry in ClinVar:

NM_018124.4(RFWD3):c.1722T>G (p.Ser574Arg)

Gene: RFWD3 (ring finger and WD repeat domain 3; minus strand). Cytogenetic location: 16q23.1.
Variant type: single nucleotide variant.
Coding change: c.1722T>G on transcript NM_018124.4 (MANE Select); coding-DNA position 1722, T replaced by G.
Protein change: p.Ser574Arg; replaces serine 574 with arginine.
Molecular consequence: missense variant. On other transcripts: intron variant (1).
Genome position (GRCh38, 1-based): chr16:74,630,813, A>C on the plus strand (T>G on the coding strand, the complement: RFWD3 is on the minus strand). VCF-style: chr16-74630813-A-C. GRCh37 (hg19) VCF-style: chr16-74664711-A-C.
Other names: NC_000016.9:g.74664711A>C; c.888T>G, p.Ser296Arg (NM_001370543.1, NM_001370537.1, NM_001370539.1 and 2 more transcripts); c.1577+1710T>G (NM_001370536.1); c.1722T>G, p.Ser574Arg (NM_001370534.1, NM_001370535.1); short protein forms S574R, S296R.
Identifiers: ClinVar variation 4415455 (VCV004415455.2).

ClinVar aggregate classification (germline): Uncertain significance (1 of 4 stars; one submission).

gnomAD v4.1: 23 of 1,612,394 alleles (0.0014%); highest among the groups gnomAD compares: Non-Finnish European, 0.0018%; no homozygotes.

Submissions (2):

Labcorp Genetics (formerly Invitae), Labcorp
Classification: Uncertain significance. Last evaluated: 2025-08-29. Review status: criteria provided, single submitter. Criteria: Invitae Variant Classification Sherloc (09022015). Collection method: clinical testing. Allele origin: germline.
Comment: This sequence change replaces serine, which is neutral and polar, with arginine, which is basic and polar, at codon 574 of the RFWD3 protein (p.Ser574Arg). The frequency data for this variant in the population databases is considered unreliable, as metrics indicate poor data quality at this position in the gnomAD database. This variant has not been reported in the literature in individuals affected with RFWD3-related conditions. An algorithm developed to predict the effect of missense changes on protein structure and function (PolyPhen-2) suggests that this variant is likely to be tolerated. In summary, the available evidence is currently insufficient to determine the role of this variant in disease. Therefore, it has been classified as a Variant of Uncertain Significance.

Dr. Peter K. Rogan Lab, Western University
No classification provided (evidence only). Condition: Acute myeloid leukemia. Review status: no classification provided. Collection method: in vitro. Allele origin: not applicable. Functional consequence: retained intron. Not counted in ClinVar's aggregate classification.